The following is an entry in ClinVar:

NM_001999.4(FBN2):c.7316A>G (p.His2439Arg)

Gene: FBN2 (fibrillin 2; minus strand). Cytogenetic location: 5q23.3.
Variant type: single nucleotide variant.
Coding change: c.7316A>G on transcript NM_001999.4 (MANE Select); coding-DNA position 7316, A replaced by G.
Protein change: p.His2439Arg; replaces histidine 2439 with arginine.
Molecular consequence: missense variant.
Genome position (GRCh38, 1-based): chr5:128,278,664, T>C on the plus strand (A>G on the coding strand, the complement: FBN2 is on the minus strand). VCF-style: chr5-128278664-T-C. GRCh37 (hg19) VCF-style: chr5-127614356-T-C.
Other names: short protein forms H2439R.
Identifiers: ClinVar variation 2890114 (VCV002890114.3), dbSNP rs2479651443, ClinGen allele CA360756023.

ClinVar aggregate classification (germline): Uncertain significance (1 of 4 stars; one submission).

Conditions:
Congenital contractural arachnodactyly (CCA). Also called: BEALS SYNDROME; Beals-Hecht syndrome; Arthrogryposis, distal, type 9. Identifiers: Orphanet 115, MedGen C0220668, MONDO:0007363, OMIM 121050.

gnomAD v4.1: 2 of 1,614,092 alleles (0.00012%); no homozygotes.

Submission:

Labcorp Genetics (formerly Invitae), Labcorp
Classification: Uncertain significance for Congenital contractural arachnodactyly. Last evaluated: 2023-02-09. Review status: criteria provided, single submitter. Criteria: Invitae Variant Classification Sherloc (09022015). Collection method: clinical testing. Allele origin: germline.
Comment: In summary, the available evidence is currently insufficient to determine the role of this variant in disease. Therefore, it has been classified as a Variant of Uncertain Significance. Advanced modeling of protein sequence and biophysical properties (such as structural, functional, and spatial information, amino acid conservation, physicochemical variation, residue mobility, and thermodynamic stability) performed at Invitae indicates that this missense variant is not expected to disrupt FBN2 protein function. This variant has not been reported in the literature in individuals affected with FBN2-related conditions. This variant is not present in population databases (gnomAD no frequency). This sequence change replaces histidine, which is basic and polar, with arginine, which is basic and polar, at codon 2439 of the FBN2 protein (p.His2439Arg).